The following is an entry in ClinVar:

NM_004082.5(DCTN1):c.3810C>A (p.His1270Gln)

Gene: DCTN1 (dynactin subunit 1; minus strand). Cytogenetic location: 2p13.1.
Variant type: single nucleotide variant.
Coding change: c.3810C>A on transcript NM_004082.5 (MANE Select); coding-DNA position 3810, C replaced by A.
Protein change: p.His1270Gln; replaces histidine 1270 with glutamine.
Molecular consequence: missense variant. On other transcripts: non-coding transcript variant (1).
Genome position (GRCh38, 1-based): chr2:74,361,526, G>T on the plus strand (C>A on the coding strand, the complement: DCTN1 is on the minus strand). VCF-style: chr2-74361526-G-T. GRCh37 (hg19) VCF-style: chr2-74588653-G-T.
Other names: c.3735C>A, p.His1245Gln (NM_001135040.3); c.3393C>A, p.His1131Gln (NM_001135041.3); c.3684C>A, p.His1228Gln (NM_001190836.2); c.3789C>A, p.His1263Gln (NM_001190837.2); c.3759C>A, p.His1253Gln (NM_001378991.1); c.3741C>A, p.His1247Gln (NM_001378992.1); c.3408C>A, p.His1136Gln (NM_023019.4); c.3810C>A (NM_004082.4); short protein forms H1131Q, H1136Q, H1228Q, H1245Q, H1247Q, H1253Q, H1263Q, H1270Q.
Identifiers: ClinVar variation 1051565 (VCV001051565.10), dbSNP rs755013572, ClinGen allele CA1721341.

ClinVar aggregate classification (germline): Uncertain significance. Review status: criteria provided, multiple submitters, no conflicts (2 of 4 stars). 3 submissions from 3 submitters: Uncertain significance (3). Last evaluated 2025-02-11.

Conditions:
DCTN1-related disorder. Also called: DCTN1-related condition.
Perry syndrome. Also called: PARKINSONISM WITH ALVEOLAR HYPOVENTILATION AND MENTAL DEPRESSION. Identifiers: Orphanet 178509, MedGen C1868594, MONDO:0008201, OMIM 168605.
Amyotrophic lateral sclerosis type 1 (ALS1). Also called: AMYOTROPHIC LATERAL SCLEROSIS 1, FAMILIAL. Identifiers: Orphanet 803, MedGen C1862939, MONDO:0007103, OMIM 105400.
Neuronopathy, distal hereditary motor, type 7B. Also called: LOWER MOTOR NEURON DISEASE, DYNACTIN TYPE; Distal Hereditary Motor Neuronopathy Type 7B (dHMN7B); HMN VIIB; NEURONOPATHY, DISTAL HEREDITARY MOTOR, AUTOSOMAL DOMINANT 14; NEURONOPATHY, DISTAL HEREDITARY MOTOR, HARDING TYPE VIIB; NEUROPATHY, DISTAL HEREDITARY MOTOR, HARDING TYPE VIIB. Identifiers: Orphanet 139589, MedGen C1843315, MONDO:0011879, OMIM 607641.

Allele frequency attached by ClinVar (database versions not stated): TOPMed 0.00001; gnomAD 0.00002.
gnomAD v4.1: 20 of 1,614,030 alleles (0.0012%); highest among the groups gnomAD compares: Non-Finnish European, 0.0017%; no homozygotes.

Submissions (3):

PreventionGenetics, part of Exact Sciences
Classification: Uncertain significance for DCTN1-related condition. Last evaluated: 2025-02-11. Review status: criteria provided, single submitter. Criteria: ACMG Guidelines, 2015. Collection method: clinical testing. Allele origin: germline.
Comment: The DCTN1 c.3810C>A variant is predicted to result in the amino acid substitution p.His1270Gln. This variant was reported in an individual with sporadic amyotrophic lateral sclerosis (Cady et al. 2015. PubMed ID: 25382069). This variant is reported in 0.0039% of alleles in individuals of European (Non-Finnish) descent in gnomAD. At this time, the clinical significance of this variant is uncertain due to the absence of conclusive functional and genetic evidence.

ARUP Laboratories, Molecular Genetics and Genomics, ARUP Laboratories
Classification: Uncertain significance. Last evaluated: 2024-06-05. Review status: criteria provided, single submitter. Criteria: ARUP Molecular Germline Variant Investigation Process 2024. Collection method: clinical testing. Allele origin: germline.
Comment: The DCTN1 c.3810C>A; p.His1270Gln variant (rs755013572, ClinVar Variation ID: 1051565) is reported in the literature in one individual affected with amyotrophic lateral sclerosis (Cady 2015). This variant is found in the non-Finnish European population with an allele frequency of 0.004% (5/129,068 alleles) in the Genome Aggregation Database (v2.1.1). Computational analyses are uncertain whether this variant is neutral or deleterious (REVEL: 0.172). Due to limited information, the clinical significance of this variant is uncertain at this time. References: Cady J et al. Amyotrophic lateral sclerosis onset is influenced by the burden of rare variants in known amyotrophic lateral sclerosis genes. Ann Neurol. 2015 Jan;77(1):100-13. PMID: 25382069.

Labcorp Genetics (formerly Invitae), Labcorp
Classification: Uncertain significance for Amyotrophic lateral sclerosis type 1; Neuronopathy, distal hereditary motor, type 7B; Perry syndrome. Last evaluated: 2021-09-16. Review status: criteria provided, single submitter. Criteria: Invitae Variant Classification Sherloc (09022015). Collection method: clinical testing. Allele origin: germline.
Comment: Algorithms developed to predict the effect of missense changes on protein structure and function are either unavailable or do not agree on the potential impact of this missense change (SIFT: "Deleterious"; PolyPhen-2: "Benign"; Align-GVGD: "Class C15"). In summary, the available evidence is currently insufficient to determine the role of this variant in disease. Therefore, it has been classified as a Variant of Uncertain Significance. This missense change has been observed in individual(s) with amyotrophic lateral sclerosis (PMID: 25382069). This variant is present in population databases (rs755013572, ExAC 0.002%). This sequence change replaces histidine with glutamine at codon 1270 of the DCTN1 protein (p.His1270Gln). The histidine residue is highly conserved and there is a small physicochemical difference between histidine and glutamine.

Literature cited by the submitters: PubMed 25382069 (cited by Labcorp Genetics (formerly Invitae), Labcorp).